The following is an entry in ClinVar:

NM_139027.6(ADAMTS13):c.1169G>A (p.Trp390Ter)

Gene: ADAMTS13 (ADAM metallopeptidase with thrombospondin type 1 motif 13; plus strand). Cytogenetic location: 9q34.2.
Variant type: single nucleotide variant.
Coding change: c.1169G>A on transcript NM_139027.6 (MANE Select); coding-DNA position 1169, G replaced by A.
Protein change: p.Trp390Ter; replaces tryptophan 390 with a stop codon.
Molecular consequence: nonsense.
Genome position (GRCh38, 1-based): chr9:133,433,454, G>A. VCF-style: chr9-133433454-G-A. GRCh37 (hg19) VCF-style: chr9-136298574-G-A.
Other names: c.1169G>A, p.Trp390Ter (NM_139025.5); c.1076G>A, p.Trp359Ter (NM_139026.6); short protein forms W359*, W390*.
Identifiers: ClinVar variation 1804165 (VCV001804165.3), dbSNP rs374655146, ClinGen allele CA200926932.

ClinVar aggregate classification (germline): Pathogenic. Review status: criteria provided, multiple submitters, no conflicts (2 of 4 stars). 2 submissions from 2 submitters: Pathogenic (2). Last evaluated 2022-12-20.

Conditions:
Upshaw-Schulman syndrome (TTP). Also called: Congenital thrombotic thrombocytopenic purpura; THROMBOTIC THROMBOCYTOPENIC PURPURA, HEREDITARY. Identifiers: Orphanet 93583, MedGen C1268935, MONDO:0010122, OMIM 274150.

Allele frequency attached by ClinVar (database versions not stated): gnomAD exomes below 0.00001; gnomAD 0.00001; TOPMed 0.00001; ExAC 0.00002; ESP Exome Variant Server 0.00008.
gnomAD v4.1: 6 of 1,613,390 alleles (0.00037%); highest among the groups gnomAD compares: Non-Finnish European, 0.00051%; no homozygotes.

Submissions (2):

Institute of Medical Genetics and Applied Genomics, University Hospital Tübingen
Classification: Pathogenic for Upshaw-Schulman syndrome. Last evaluated: 2022-12-20. Review status: criteria provided, single submitter. Criteria: ACMG Guidelines, 2015. Collection method: clinical testing. Allele origin: germline. Inheritance: Autosomal recessive inheritance. Affected: yes.

Victorian Clinical Genetics Services, Murdoch Childrens Research Institute
Classification: Pathogenic for Upshaw-Schulman syndrome. Last evaluated: 2021-05-06. Review status: criteria provided, single submitter. Criteria: ACMG Guidelines, 2015. Collection method: clinical testing. Allele origin: germline. Inheritance: Autosomal recessive inheritance. Affected: yes.
Comment: Based on the classification scheme VCGS_Germline_v1.3.4, this variant is classified as Pathogenic. Following criteria are met: 0102 - Loss of function is a known mechanism of disease in this gene and is associated with thrombotic thrombocytopenic purpura, hereditary (MIM#274150). (I) 0106 - This gene is associated with autosomal recessive disease. (I) 0201 - Variant is predicted to cause nonsense-mediated decay (NMD) and loss of protein (premature termination codon is located at least 54 nucleotides upstream of the final exon-exon junction). (SP) 0251 - This variant is heterozygous. (I) 0304 - Variant is present in gnomAD (v2) <0.01 for a recessive condition (3 heterozygotes, 0 homozygotes). (SP) 0701 - Other premature termination variants comparable to the one identified in this case have very strong previous evidence for pathogenicity. More than nine other NMD-predicted variants have been reported as likely pathogenic/pathogenic (ClinVar). (SP) 0803 - This variant has limited previous evidence of pathogenicity in unrelated individuals. It has been reported in two individuals with congenital thrombotic thrombocytopenic purpura (cTTP) (PMIDs: 12393505, 30792199). (I) Legend: (SP) - Supporting pathogenic, (I) - Information, (SB) - Supporting benign

Literature cited by the submitters: PubMed 12393505 (cited by Victorian Clinical Genetics Services, Murdoch Childrens Research Institute); PubMed 30792199 (cited by Victorian Clinical Genetics Services, Murdoch Childrens Research Institute).